The following is an entry in ClinVar:

NM_004082.5(DCTN1):c.3400C>G (p.Leu1134Val)

Gene: DCTN1 (dynactin subunit 1; minus strand). Cytogenetic location: 2p13.1.
Variant type: single nucleotide variant.
Coding change: c.3400C>G on transcript NM_004082.5 (MANE Select); coding-DNA position 3400, C replaced by G.
Protein change: p.Leu1134Val; replaces leucine 1134 with valine.
Molecular consequence: missense variant. On other transcripts: non-coding transcript variant (1).
Genome position (GRCh38, 1-based): chr2:74,363,123, G>C on the plus strand (C>G on the coding strand, the complement: DCTN1 is on the minus strand). VCF-style: chr2-74363123-G-C. GRCh37 (hg19) VCF-style: chr2-74590250-G-C.
Other names: c.3325C>G, p.Leu1109Val (NM_001135040.3); c.2983C>G, p.Leu995Val (NM_001135041.3); c.3274C>G, p.Leu1092Val (NM_001190836.2); c.3379C>G, p.Leu1127Val (NM_001190837.2); c.3349C>G, p.Leu1117Val (NM_001378991.1); c.3331C>G, p.Leu1111Val (NM_001378992.1); c.2998C>G, p.Leu1000Val (NM_023019.4); short protein forms L1117V, L1127V, L995V, L1000V, L1111V, L1092V, L1109V, L1134V.
Identifiers: ClinVar variation 2932511 (VCV002932511.4), dbSNP rs764422437, ClinGen allele CA1721493.
Genomic context (GRCh38, chr2:74,363,123, plus strand): 5'-GGCTGGTCTTACGATACAGCGCTCCAGCTGGTAACTCACTGCCAGGGCCCTCATGGGATA[G>C]CTTTGCAACATGCAGAGGGGGCAGGGATGCCAAGGATGCCTTCATCTGGGCTCCCTGTGG-3'
Protein context (NP_004073.2, residues 1124-1144): ASLPPLHVAK[Leu1134Val]SHEGPGSELP

ClinVar aggregate classification (germline): Uncertain significance. Review status: criteria provided, multiple submitters, no conflicts (2 of 4 stars). 2 submissions from 2 submitters: Uncertain significance (2). Last evaluated 2024-01-03.

Conditions:
Amyotrophic lateral sclerosis type 1 (ALS1). Also called: AMYOTROPHIC LATERAL SCLEROSIS 1, FAMILIAL. Identifiers: Orphanet 803, MedGen C1862939, MONDO:0007103, OMIM 105400.
Neuronopathy, distal hereditary motor, type 7B. Also called: HMN VIIB; LOWER MOTOR NEURON DISEASE, DYNACTIN TYPE; NEURONOPATHY, DISTAL HEREDITARY MOTOR, AUTOSOMAL DOMINANT 14; NEURONOPATHY, DISTAL HEREDITARY MOTOR, HARDING TYPE VIIB; NEUROPATHY, DISTAL HEREDITARY MOTOR, HARDING TYPE VIIB; NEUROPATHY, DISTAL HEREDITARY MOTOR, WITH VOCAL CORD PARALYSIS, HARDING TYPE VIIB. Identifiers: Orphanet 139589, MedGen C1843315, MONDO:0011879, OMIM 607641.
Perry syndrome. Also called: PARKINSONISM WITH ALVEOLAR HYPOVENTILATION AND MENTAL DEPRESSION. Identifiers: Orphanet 178509, MedGen C1868594, MONDO:0008201, OMIM 168605.
Inborn genetic diseases. Identifiers: MedGen C0950123, MeSH D030342.

Allele frequency attached by ClinVar (database versions not stated): ExAC 0.00001; gnomAD 0.00001; gnomAD exomes below 0.00001.
gnomAD v4.1: 2 of 1,613,964 alleles (0.00012%); highest among the groups gnomAD compares: East Asian, 0.0022%; no homozygotes.

Submissions (2):

Ambry Genetics
Classification: Uncertain significance for Inborn genetic diseases. Last evaluated: 2024-01-03. Review status: criteria provided, single submitter. Criteria: Ambry Variant Classification Scheme 2023. Collection method: clinical testing. Allele origin: germline.

Labcorp Genetics (formerly Invitae), Labcorp
Classification: Uncertain significance for Amyotrophic lateral sclerosis type 1; Neuronopathy, distal hereditary motor, type 7B; Perry syndrome. Last evaluated: 2023-10-23. Review status: criteria provided, single submitter. Criteria: Invitae Variant Classification Sherloc (09022015). Collection method: clinical testing. Allele origin: germline.
Comment: This sequence change replaces leucine, which is neutral and non-polar, with valine, which is neutral and non-polar, at codon 1134 of the DCTN1 protein (p.Leu1134Val). This variant is present in population databases (rs764422437, gnomAD 0.02%). This variant has not been reported in the literature in individuals affected with DCTN1-related conditions. Advanced modeling of protein sequence and biophysical properties (such as structural, functional, and spatial information, amino acid conservation, physicochemical variation, residue mobility, and thermodynamic stability) performed at Invitae indicates that this missense variant is not expected to disrupt DCTN1 protein function. In summary, the available evidence is currently insufficient to determine the role of this variant in disease. Therefore, it has been classified as a Variant of Uncertain Significance.